The following is an entry in ClinVar:

ClinVar aggregate classification (germline): Uncertain significance (1 of 4 stars; one submission).

Allele frequency attached by ClinVar (database versions not stated): ExAC 0.00001; gnomAD 0.00001; gnomAD exomes 0.00001; TOPMed 0.00003.
gnomAD v4.1: 13 of 1,611,340 alleles (0.00081%); highest among the groups gnomAD compares: Admixed American, 0.0017%; no homozygotes.

Submission:

Labcorp Genetics (formerly Invitae), Labcorp
Classification: Uncertain significance. Last evaluated: 2022-05-21. Review status: criteria provided, single submitter. Criteria: Invitae Variant Classification Sherloc (09022015). Collection method: clinical testing. Allele origin: germline.
Comment: This sequence change replaces serine, which is neutral and polar, with phenylalanine, which is neutral and non-polar, at codon 2837 of the COL7A1 protein (p.Ser2837Phe). This variant is present in population databases (rs756085968, gnomAD 0.0009%). This variant has not been reported in the literature in individuals affected with COL7A1-related conditions. Algorithms developed to predict the effect of missense changes on protein structure and function are either unavailable or do not agree on the potential impact of this missense change (SIFT: "Deleterious"; PolyPhen-2: "Possibly Damaging"; Align-GVGD: "Class C0"). In summary, the available evidence is currently insufficient to determine the role of this variant in disease. Therefore, it has been classified as a Variant of Uncertain Significance.

NM_000094.4(COL7A1):c.8510C>T (p.Ser2837Phe)

Gene: COL7A1 (collagen type VII alpha 1 chain; minus strand). Cytogenetic location: 3p21.31.
Variant type: single nucleotide variant.
Coding change: c.8510C>T on transcript NM_000094.4 (MANE Select); coding-DNA position 8510, C replaced by T.
Protein change: p.Ser2837Phe; replaces serine 2837 with phenylalanine.
Molecular consequence: missense variant.
Genome position (GRCh38, 1-based): chr3:48,565,427, G>A on the plus strand (C>T on the coding strand, the complement: COL7A1 is on the minus strand). VCF-style: chr3-48565427-G-A. GRCh37 (hg19) VCF-style: chr3-48602860-G-A.
Other names: short protein forms S2837F.
Identifiers: ClinVar variation 2189802 (VCV002189802.1), dbSNP rs756085968, ClinGen allele CA2377974.